The following is an entry in ClinVar:

NM_017636.4(TRPM4):c.3254T>C (p.Leu1085Ser)

Gene: TRPM4 (transient receptor potential cation channel subfamily M member 4; plus strand). Cytogenetic location: 19q13.33.
Variant type: single nucleotide variant.
Coding change: c.3254T>C on transcript NM_017636.4 (MANE Select); coding-DNA position 3254, T replaced by C.
Protein change: p.Leu1085Ser; replaces leucine 1085 with serine.
Molecular consequence: missense variant.
Genome position (GRCh38, 1-based): chr19:49,210,331, T>C. VCF-style: chr19-49210331-T-C. GRCh37 (hg19) VCF-style: chr19-49713588-T-C.
Other names: c.2819T>C, p.Leu940Ser (NM_001195227.2); c.2909T>C, p.Leu970Ser (NM_001321281.2); c.1646T>C, p.Leu549Ser (NM_001321282.2); c.2732T>C, p.Leu911Ser (NM_001321283.2); c.2192T>C, p.Leu731Ser (NM_001321285.2); short protein forms L731S, L1085S, L970S, L911S, L940S, L549S.
Identifiers: ClinVar variation 3462158 (VCV003462158.1).

ClinVar aggregate classification (germline): Uncertain significance (1 of 4 stars; one submission).

Conditions:
Cardiovascular phenotype. Identifiers: MedGen CN230736.

gnomAD v4.1: 2 of 1,614,198 alleles (0.00012%); highest among the groups gnomAD compares: South Asian, 0.0011%; no homozygotes.

Submission:

Ambry Genetics
Classification: Uncertain significance for Cardiovascular phenotype. Last evaluated: 2024-11-18. Review status: criteria provided, single submitter. Criteria: Ambry Variant Classification Scheme 2023. Collection method: clinical testing. Allele origin: germline.
Comment: The p.L1085S variant (also known as c.3254T>C), located in coding exon 21 of the TRPM4 gene, results from a T to C substitution at nucleotide position 3254. The leucine at codon 1085 is replaced by serine, an amino acid with dissimilar properties. This amino acid position is conserved. In addition, this alteration is predicted to be tolerated by in silico analysis. Based on the available evidence, the clinical significance of this variant remains unclear.